The following is an entry in ClinVar:

ClinVar aggregate classification (germline): Pathogenic. Review status: criteria provided, multiple submitters, no conflicts (2 of 4 stars). 3 submissions from 3 submitters: Pathogenic (2). 1 of the submissions does not count toward it. Last evaluated 2026-04-24.

Conditions:
Familial thoracic aortic aneurysm and aortic dissection (TAAD). Also called: Thoracic aortic aneurysms and dissections. Identifiers: Orphanet 91387, MedGen C4707243, MONDO:0019625.
Marfan syndrome (MFS). Also called: Marfan syndrome type 1; Marfan syndrome, classic; Marfan's syndrome; FBN1-Related Marfan Syndrome; MARFAN SYNDROME, TYPE I. Identifiers: Orphanet 284963, Orphanet 558, MedGen C0024796, MONDO:0007947, OMIM 154700.

Submissions (3):

Friuli Venezia Giulia Coordinating Center for Rare Diseases, National Health Service, Italy
Classification: Pathogenic for Marfan syndrome. Last evaluated: 2026-04-24. Review status: criteria provided, single submitter. Criteria: Drackley et al. (Genome Med. 2024). Collection method: clinical testing. Allele origin: de novo, inherited. Inheritance: Autosomal dominant inheritance. Affected: yes. Observed: 2 variant alleles, 2 heterozygotes.
Comment: This single nucleotide variant meets criteria to be classified as pathogenic for ectopia lentis syndrome based on the ACMG/AMP criteria applied, as specified by the ClinGen FBN1 VCEP: PVS1_strong, PS2, PM2_sup, PP1. A different point variant (NM_000138.5:c.2678-1G>C) at the same acceptor splice site has been previously associated with an unspecified Marfan syndrome spectrum disorder (family MF0140 in PMID: 33414558).

Labcorp Genetics (formerly Invitae), Labcorp
Classification: Pathogenic for Marfan syndrome; Familial thoracic aortic aneurysm and aortic dissection. Last evaluated: 2023-11-13. Review status: criteria provided, single submitter. Criteria: Invitae Variant Classification Sherloc (09022015). Collection method: clinical testing. Allele origin: germline.
Comment: This sequence change affects an acceptor splice site in intron 22 of the FBN1 gene. It is expected to disrupt RNA splicing. Variants that disrupt the donor or acceptor splice site typically lead to a loss of protein function (PMID: 16199547), and loss-of-function variants in FBN1 are known to be pathogenic (PMID: 17657824, 19293843). This variant is not present in population databases (gnomAD no frequency). Disruption of this splice site has been observed in individuals with clinical features of Marfan syndrome (PMID: 33414558; Invitae). ClinVar contains an entry for this variant (Variation ID: 549102). Algorithms developed to predict the effect of sequence changes on RNA splicing suggest that this variant may disrupt the consensus splice site. For these reasons, this variant has been classified as Pathogenic.

Center for Medical Genetics Ghent, University of Ghent
Classification: Likely pathogenic for Marfan syndrome. Last evaluated: 2017-11-07. Review status: no assertion criteria provided. Collection method: clinical testing. Allele origin: germline. Affected: yes. Not counted in ClinVar's aggregate classification.

Literature cited by the submitters: PubMed 33414558 (cited by Friuli Venezia Giulia Coordinating Center for Rare Diseases, National Health Service, Italy and Labcorp Genetics (formerly Invitae), Labcorp); PubMed 16199547 (cited by Labcorp Genetics (formerly Invitae), Labcorp); PubMed 17657824 (cited by Labcorp Genetics (formerly Invitae), Labcorp); PubMed 19293843 (cited by Labcorp Genetics (formerly Invitae), Labcorp).

NM_000138.5(FBN1):c.2678-2A>G

Gene: FBN1 (fibrillin 1; minus strand). Cytogenetic location: 15q21.1.
Variant type: single nucleotide variant.
Coding change: c.2678-2A>G on transcript NM_000138.5 (MANE Select); the canonical splice acceptor site of the intron before coding-DNA position 2678, A replaced by G.
Molecular consequence: splice acceptor variant.
Genome position (GRCh38, 1-based): chr15:48,494,256, T>C on the plus strand (A>G on the coding strand, the complement: FBN1 is on the minus strand). VCF-style: chr15-48494256-T-C. GRCh37 (hg19) VCF-style: chr15-48786453-T-C.
Other names: c.IVS21-2A>G; c.2678-2A>G (NM_001406716.1).
Identifiers: ClinVar variation 549102 (VCV000549102.4), dbSNP rs1555399101, ClinGen allele CA392331763.